The following is an entry in ClinVar:

NM_001033855.3(DCLRE1C):c.1988A>C (p.Lys663Thr)

Gene: DCLRE1C (DNA cross-link repair 1C; minus strand). Cytogenetic location: 10p13.
Variant type: single nucleotide variant.
Coding change: c.1988A>C on transcript NM_001033855.3 (MANE Select); coding-DNA position 1988, A replaced by C.
Protein change: p.Lys663Thr; replaces lysine 663 with threonine.
Molecular consequence: missense variant. On other transcripts: non-coding transcript variant (3), intron variant (3).
Genome position (GRCh38, 1-based): chr10:14,908,499, T>G on the plus strand (A>C on the coding strand, the complement: DCLRE1C is on the minus strand). VCF-style: chr10-14908499-T-G. GRCh37 (hg19) VCF-style: chr10-14950498-T-G.
Other names: c.1628A>C, p.Lys543Thr (NM_001033857.3, NM_001033858.3, NM_001289077.2 and 1 more transcripts); c.1643A>C, p.Lys548Thr (NM_001289076.2, NM_001289078.2, NM_022487.4); c.1437+206A>C (NM_001350966.2); c.1782+206A>C (NM_001350965.2); c.1422+206A>C (NM_001350967.2); short protein forms K543T, K548T, K663T.
Identifiers: ClinVar variation 1061243 (VCV001061243.6), dbSNP rs2131768961, ClinGen allele CA376074132.
Genomic context (GRCh38, chr10:14,908,499, plus strand): 5'-TTGACTGCTATACTCTCACCAGTTGCCAGCTTCTCATATAAATATTGTAAATGCTCTCGT[T>G]TAGGTAACTCAGCTTCTGGAGTTGAGGGAACTTCAAAATCAGAAGAGCTCTGGGAATCTG-3'
Protein context (NP_001029027.1, residues 653-673): VPSTPEAELP[Lys663Thr]REHLQYLYEK

ClinVar aggregate classification (germline): Uncertain significance (1 of 4 stars; one submission).

Conditions:
Severe combined immunodeficiency due to DCLRE1C deficiency (RS-SCID). Also called: SCID, AUTOSOMAL RECESSIVE, T CELL-NEGATIVE, B CELL-NEGATIVE, NK CELL-POSITIVE, WITH SENSITIVITY TO IONIZING RADIATION. Identifiers: Orphanet 275, MedGen C1865371, MONDO:0011225, OMIM 602450.

Allele frequency attached by ClinVar (database versions not stated): gnomAD exomes below 0.00001.
gnomAD v4.1: 7 of 1,614,088 alleles (0.00043%); highest among the groups gnomAD compares: Non-Finnish European, 0.00034%; no homozygotes.

Submission:

Labcorp Genetics (formerly Invitae), Labcorp
Classification: Uncertain significance for Athabaskan severe combined immunodeficiency. Last evaluated: 2021-09-01. Review status: criteria provided, single submitter. Criteria: Invitae Variant Classification Sherloc (09022015). Collection method: clinical testing. Allele origin: germline.
Comment: This sequence change replaces lysine with threonine at codon 663 of the DCLRE1C protein (p.Lys663Thr). The lysine residue is weakly conserved and there is a moderate physicochemical difference between lysine and threonine. This variant is not present in population databases (ExAC no frequency). This variant has not been reported in the literature in individuals affected with DCLRE1C-related conditions. Algorithms developed to predict the effect of missense changes on protein structure and function output the following: SIFT: "Tolerated"; PolyPhen-2: "Benign"; Align-GVGD: "Class C0". The threonine amino acid residue is found in multiple mammalian species, which suggests that this missense change does not adversely affect protein function. In summary, the available evidence is currently insufficient to determine the role of this variant in disease. Therefore, it has been classified as a Variant of Uncertain Significance.